The following is an entry in ClinVar:

ClinVar aggregate classification (germline): Uncertain significance (1 of 4 stars; one submission).

Submission:

Labcorp Genetics (formerly Invitae), Labcorp
Classification: Uncertain significance. Last evaluated: 2022-07-11. Review status: criteria provided, single submitter. Criteria: Invitae Variant Classification Sherloc (09022015). Collection method: clinical testing. Allele origin: germline.
Comment: In summary, the available evidence is currently insufficient to determine the role of this variant in disease. Therefore, it has been classified as a Variant of Uncertain Significance. Advanced modeling of protein sequence and biophysical properties (such as structural, functional, and spatial information, amino acid conservation, physicochemical variation, residue mobility, and thermodynamic stability) performed at Invitae indicates that this missense variant is not expected to disrupt KMT2A protein function. This variant has not been reported in the literature in individuals affected with KMT2A-related conditions. This variant is not present in population databases (gnomAD no frequency). This sequence change replaces threonine, which is neutral and polar, with alanine, which is neutral and non-polar, at codon 1724 of the KMT2A protein (p.Thr1724Ala).

NM_001197104.2(KMT2A):c.5170A>G (p.Thr1724Ala)

Gene: KMT2A (lysine methyltransferase 2A; plus strand). Cytogenetic location: 11q23.3.
Variant type: single nucleotide variant.
Coding change: c.5170A>G on transcript NM_001197104.2 (MANE Select); coding-DNA position 5170, A replaced by G.
Protein change: p.Thr1724Ala; replaces threonine 1724 with alanine.
Molecular consequence: missense variant.
Genome position (GRCh38, 1-based): chr11:118,493,222, A>G. VCF-style: chr11-118493222-A-G. GRCh37 (hg19) VCF-style: chr11-118363937-A-G.
Other names: c.5260A>G, p.Thr1754Ala (NM_001412597.1); c.5161A>G, p.Thr1721Ala (NM_005933.4); short protein forms T1721A, T1724A, T1754A.
Identifiers: ClinVar variation 2069724 (VCV002069724.4), dbSNP rs2496930102, ClinGen allele CA382837273.